The following is an entry in ClinVar:

ClinVar aggregate classification (germline): Uncertain significance (1 of 4 stars; one submission).

Conditions:
Hereditary cancer-predisposing syndrome. Also called: Tumor predisposition; Hereditary neoplastic syndrome; Hereditary Cancer Syndrome; Neoplastic Syndromes, Hereditary. Identifiers: Orphanet 140162, MedGen C0027672, MeSH D009386, MONDO:0015356.

Allele frequency attached by ClinVar (database versions not stated): gnomAD exomes below 0.00001.
gnomAD v4.1: 1 of 1,614,252 alleles (0.000062%); highest among the groups gnomAD compares: South Asian, 0.0011%; no homozygotes.

Submission:

Ambry Genetics
Classification: Uncertain significance for Hereditary cancer-predisposing syndrome. Last evaluated: 2024-02-22. Review status: criteria provided, single submitter. Criteria: Ambry Variant Classification Scheme 2023. Collection method: clinical testing. Allele origin: germline.
Comment: The p.Y508C variant (also known as c.1523A>G), located in coding exon 10 of the CDH1 gene, results from an A to G substitution at nucleotide position 1523. The tyrosine at codon 508 is replaced by cysteine, an amino acid with highly dissimilar properties. This amino acid position is conserved. In addition, this alteration is predicted to be deleterious by in silico analysis. Based on the available evidence, the clinical significance of this alteration remains unclear.

NM_004360.5(CDH1):c.1523A>G (p.Tyr508Cys)

Gene: CDH1 (cadherin 1; plus strand). Cytogenetic location: 16q22.1.
Variant type: single nucleotide variant.
Coding change: c.1523A>G on transcript NM_004360.5 (MANE Select); coding-DNA position 1523, A replaced by G.
Protein change: p.Tyr508Cys; replaces tyrosine 508 with cysteine.
Molecular consequence: missense variant. On other transcripts: 5 prime UTR variant (2).
Genome position (GRCh38, 1-based): chr16:68,815,717, A>G. VCF-style: chr16-68815717-A-G. GRCh37 (hg19) VCF-style: chr16-68849620-A-G.
Other names: c.1340A>G, p.Tyr447Cys (NM_001317184.2); c.-26A>G (NM_001317185.2); c.-297A>G (NM_001317186.2); short protein forms Y447C, Y508C.
Identifiers: ClinVar variation 3224148 (VCV003224148.1), dbSNP rs1240947148, ClinGen allele CA396463413.